The following is an entry in ClinVar:

NM_000439.5(PCSK1):c.1824G>T (p.Thr608=)

Genes: CAST (calpastatin; plus strand), PCSK1 (proprotein convertase subtilisin/kexin type 1; minus strand), LOC101929710 (uncharacterized LOC101929710; plus strand). Cytogenetic location: 5q15.
Variant type: single nucleotide variant.
Coding change: c.1824G>T on transcript NM_000439.5 (MANE Select); coding-DNA position 1824, G replaced by T.
Protein change: p.Thr608=; no amino-acid change (threonine 608 retained).
Molecular consequence: synonymous variant. On other transcripts: intron variant (11).
Genome position (GRCh38, 1-based): chr5:96,394,924, C>A on the plus strand (G>T on the coding strand, the complement: PCSK1 is on the minus strand). VCF-style: chr5-96394924-C-A. GRCh37 (hg19) VCF-style: chr5-95730628-C-A.
Other names: c.-175+15272C>A (NM_001423251.1, NM_001423256.1, NM_001423252.1 and 6 more transcripts); c.-40+15272C>A (NM_001423258.1); c.1683G>T, p.Thr561= (NM_001177875.2); c.-103+15272C>A (NM_001423253.1).
Identifiers: ClinVar variation 3056519 (VCV003056519.3), dbSNP rs753294559, ClinGen allele CA3350128.
Genomic context (GRCh38, chr5:96,394,924, plus strand): 5'-CTCCCCTGGATCCACCATCTTCTCCACCCCTCTTCTGTCATTCTGAACAGTGTTGTAGGA[C>A]GTGTACACACGAGGCTGCTTCATATGCTCTGGCTGAGAAGAGGTCCCGTGCAAAATCAGC-3'
Protein context (NP_000430.3, residues 598-618): PEHMKQPRVY[Thr608=]SYNTVQNDRR

ClinVar aggregate classification (germline): Likely benign. Review status: criteria provided, single submitter (1 of 4 stars). 2 submissions from 2 submitters: Likely benign (1). 1 of the submissions does not count toward it. Last evaluated 2024-07-05.

Conditions:
PCSK1-related disorder. Also called: PCSK1-related condition.

gnomAD v4.1: 11 of 1,614,122 alleles (0.00068%); highest among the groups gnomAD compares: Non-Finnish European, 0.00093%; no homozygotes.

Submissions (2):

Blueprint Genetics
Classification: Likely benign. Last evaluated: 2024-07-05. Review status: criteria provided, single submitter. Criteria: ACMG Guidelines, 2015. Collection method: clinical testing. Allele origin: germline.

PreventionGenetics, part of Exact Sciences
Classification: Likely benign for PCSK1-related condition. Last evaluated: 2019-04-29. Review status: no assertion criteria provided. Collection method: clinical testing. Allele origin: germline. Not counted in ClinVar's aggregate classification.
Comment: This variant is classified as likely benign based on ACMG/AMP sequence variant interpretation guidelines (Richards et al. 2015 PMID: 25741868, with internal and published modifications).